The following is an entry in ClinVar:

NM_001366385.1(CARD14):c.973G>C (p.Glu325Gln)

Gene: CARD14 (caspase recruitment domain family member 14; plus strand). Cytogenetic location: 17q25.3.
Variant type: single nucleotide variant.
Coding change: c.973G>C on transcript NM_001366385.1 (MANE Select); coding-DNA position 973, G replaced by C.
Protein change: p.Glu325Gln; replaces glutamic acid 325 with glutamine.
Molecular consequence: missense variant.
Genome position (GRCh38, 1-based): chr17:80,190,783, G>C. VCF-style: chr17-80190783-G-C. GRCh37 (hg19) VCF-style: chr17-78164582-G-C.
Other names: c.973G>C, p.Glu325Gln (NM_001257970.1, NM_024110.4); c.262G>C, p.Glu88Gln (NM_052819.3); short protein forms E325Q, E88Q.
Identifiers: ClinVar variation 1467447 (VCV001467447.6), dbSNP rs2144261261, ClinGen allele CA401344655.

ClinVar aggregate classification (germline): Uncertain significance (1 of 4 stars; one submission).

Conditions:
Pityriasis rubra pilaris (PRP). Also called: Pityriasis rubra pilaris--familial type. Identifiers: Orphanet 2897, MedGen C0032027, MONDO:0100017, OMIM 173200, MONDO:0008251.
Psoriasis 2. Identifiers: MedGen C1864497, MONDO:0011269, OMIM 602723.

Submission:

Labcorp Genetics (formerly Invitae), Labcorp
Classification: Uncertain significance for Pityriasis rubra pilaris; Psoriasis 2. Last evaluated: 2021-12-03. Review status: criteria provided, single submitter. Criteria: Invitae Variant Classification Sherloc (09022015). Collection method: clinical testing. Allele origin: germline.
Comment: In summary, the available evidence is currently insufficient to determine the role of this variant in disease. Therefore, it has been classified as a Variant of Uncertain Significance. This sequence change replaces glutamic acid, which is acidic and polar, with glutamine, which is neutral and polar, at codon 325 of the CARD14 protein (p.Glu325Gln). This variant is not present in population databases (gnomAD no frequency). This variant has not been reported in the literature in individuals affected with CARD14-related conditions. Algorithms developed to predict the effect of missense changes on protein structure and function are either unavailable or do not agree on the potential impact of this missense change (SIFT: "Tolerated"; PolyPhen-2: "Probably Damaging"; Align-GVGD: "Class C0").